The following is an entry in ClinVar:

NM_017617.5(NOTCH1):c.6597C>G (p.Pro2199=)

Gene: NOTCH1 (notch receptor 1; minus strand). Cytogenetic location: 9q34.3.
Variant type: single nucleotide variant.
Coding change: c.6597C>G on transcript NM_017617.5 (MANE Select); coding-DNA position 6597, C replaced by G.
Protein change: p.Pro2199=; no amino-acid change (proline 2199 retained).
Molecular consequence: synonymous variant.
Genome position (GRCh38, 1-based): chr9:136,497,142, G>C on the plus strand (C>G on the coding strand, the complement: NOTCH1 is on the minus strand). VCF-style: chr9-136497142-G-C. GRCh37 (hg19) VCF-style: chr9-139391594-G-C.
Other names: c.6597C>G, p.Pro2199= (LRG_1122t1); c.6597C>G (NM_017617.4).
Identifiers: ClinVar variation 508452 (VCV000508452.18), dbSNP rs374640663, ClinGen allele CA5339862.

ClinVar aggregate classification (germline): Benign/Likely benign. Review status: criteria provided, multiple submitters, no conflicts (2 of 4 stars). 6 submissions from 5 submitters: Benign (2); Likely benign (3). 1 of the submissions does not count toward it. Last evaluated 2026-01-28.

Conditions:
Aortic valve disease 1 (AOVD1). Identifiers: MedGen C3887892, MONDO:0024523, OMIM 109730.
Familial thoracic aortic aneurysm and aortic dissection (TAAD). Also called: Thoracic aortic aneurysms and dissections. Identifiers: Orphanet 91387, MedGen C4707243, MONDO:0019625.
NOTCH1-related disorder. Also called: NOTCH1-related condition; NOTCH1-related disorders.
Adams-Oliver syndrome 5 (AOS5). Identifiers: Orphanet 974, MedGen C4014970, MONDO:0014459, OMIM 616028.

Allele frequency attached by ClinVar (database versions not stated): TOPMed 0.00006; ExAC 0.00007; ESP Exome Variant Server 0.00023.

Submissions (6):

Labcorp Genetics (formerly Invitae), Labcorp
Classification: Likely benign for Adams-Oliver syndrome 5. Last evaluated: 2026-01-28. Review status: criteria provided, single submitter. Criteria: Invitae Variant Classification Sherloc (09022015). Collection method: clinical testing. Allele origin: germline.

Genome-Nilou Lab
Classification: Benign for Adams-Oliver syndrome 5. Last evaluated: 2022-03-15. Review status: criteria provided, single submitter. Criteria: ACMG Guidelines, 2015. Collection method: clinical testing. Allele origin: germline. Affected: no.

Genome-Nilou Lab
Classification: Benign for Aortic valve disease 1. Last evaluated: 2022-03-15. Review status: criteria provided, single submitter. Criteria: ACMG Guidelines, 2015. Collection method: clinical testing. Allele origin: germline. Affected: no.

GeneDx
Classification: Likely benign. Last evaluated: 2020-06-01. Review status: criteria provided, single submitter. Criteria: GeneDx Variant Classification Process June 2021. Collection method: clinical testing. Allele origin: germline. Affected: yes.

Ambry Genetics
Classification: Likely benign for Familial thoracic aortic aneurysm and aortic dissection. Last evaluated: 2016-04-20. Review status: criteria provided, single submitter. Criteria: Ambry Variant Classification Scheme 2023. Collection method: clinical testing. Allele origin: germline.

PreventionGenetics, part of Exact Sciences
Classification: Likely benign for NOTCH1-related condition. Last evaluated: 2024-08-23. Review status: no assertion criteria provided. Collection method: clinical testing. Allele origin: germline. Not counted in ClinVar's aggregate classification.
Comment: This variant is classified as likely benign based on ACMG/AMP sequence variant interpretation guidelines (Richards et al. 2015 PMID: 25741868, with internal and published modifications).